The following is an entry in ClinVar:

ClinVar aggregate classification (germline): Pathogenic. Review status: criteria provided, multiple submitters, no conflicts (2 of 4 stars). 2 submissions from 2 submitters: Pathogenic (2). Last evaluated 2025-05-15.

Conditions:
Ataxia-telangiectasia syndrome (AT). Also called: Ataxia-telangiectasia; LOUIS-BAR SYNDROME; AT, COMPLEMENTATION GROUP C; Ataxia-telangiectasia, complementation group E; Ataxia telangiectasia (A-T); Cerebello-oculocutaneous telangiectasia. Identifiers: Orphanet 100, MedGen C0004135, MONDO:0008840, OMIM 208900.
Familial cancer of breast. Also called: BREAST CANCER, FAMILIAL; Hereditary breast cancer; hereditary breast carcinoma. Identifiers: Orphanet 227535, MedGen C0346153, MONDO:0016419, OMIM 114480. Disease mechanism: loss of function.

Submissions (2):

Myriad Genetics, Inc.
Classification: Pathogenic for Familial cancer of breast. Last evaluated: 2025-05-15. Review status: criteria provided, single submitter. Criteria: Myriad Autosomal Dominant, Autosomal Recessive and X-Linked Classification Criteria (2023). Collection method: clinical testing. Allele origin: unknown.
Comment: This variant is considered pathogenic. This variant creates a frameshift predicted to result in premature protein truncation.

Labcorp Genetics (formerly Invitae), Labcorp
Classification: Pathogenic for Ataxia-telangiectasia syndrome. Last evaluated: 2021-01-05. Review status: criteria provided, single submitter. Criteria: Invitae Variant Classification Sherloc (09022015). Collection method: clinical testing. Allele origin: germline.
Comment: For these reasons, this variant has been classified as Pathogenic. This variant has not been reported in the literature in individuals with ATM-related conditions. This variant is not present in population databases (ExAC no frequency). This sequence change creates a premature translational stop signal (p.Asn6Lysfs*2) in the ATM gene. It is expected to result in an absent or disrupted protein product. Loss-of-function variants in ATM are known to be pathogenic (PMID: 23807571, 25614872).

Literature cited by the submitters: PubMed 23807571 (cited by Labcorp Genetics (formerly Invitae), Labcorp); PubMed 25614872 (cited by Labcorp Genetics (formerly Invitae), Labcorp).

NM_000051.4(ATM):c.17dup (p.Asn6fs)

Gene: ATM (ATM serine/threonine kinase; plus strand). Cytogenetic location: 11q22.3.
Variant type: Duplication.
Coding change: c.17dup on transcript NM_000051.4 (MANE Select); coding-DNA position 17, one base duplicated (A; older notation c.17dupA).
Protein change: p.Asn6fs; shifts the reading frame from asparagine 6.
Molecular consequence: frameshift variant.
Genome position (GRCh38, 1-based): chr11:108,227,641, A duplicated; the last of 2 consecutive A bases (chr11:108,227,640-108,227,641); duplicating either gives the same sequence. VCF-style (leftmost placement, unchanged base first): chr11-108227639-T-TA. GRCh37 (hg19) VCF-style: chr11-108098366-T-TA.
Other names: c.17dup, p.Asn6fs (NM_001351834.2, NM_001351835.2, NM_001351836.2); short protein forms N6fs.
Identifiers: ClinVar variation 1452009 (VCV001452009.7), dbSNP rs2135004405, ClinGen allele CA2573146389.
Genomic context (GRCh38, chr11:108,227,639, plus strand): 5'-TGTATTTTTTTTACAGACAGTGATGTGTGTTCTGAAATTGTGAACCATGAGTCTAGTACT[T>TA]AATGATCTGCTTATCTGCTGCCGTCAACTAGAACATGATAGAGCTACAGAACGAAAGGTA-3'